The following is an entry in ClinVar:

ClinVar aggregate classification (germline): Uncertain significance (1 of 4 stars; one submission).

Conditions:
Cerebral creatine deficiency syndrome. Also called: Creatine deficiency syndromes. Identifiers: Orphanet 79172, MedGen C5244016, MONDO:0000456.

Allele frequency attached by ClinVar (database versions not stated): gnomAD 0.00001.
gnomAD v4.1: 3 of 1,612,156 alleles (0.00019%); highest among the groups gnomAD compares: Non-Finnish European, 0.00017%; no homozygotes.

Submission:

Labcorp Genetics (formerly Invitae), Labcorp
Classification: Uncertain significance for Cerebral creatine deficiency syndrome. Last evaluated: 2021-12-19. Review status: criteria provided, single submitter. Criteria: Invitae Variant Classification Sherloc (09022015). Collection method: clinical testing. Allele origin: germline.
Comment: This variant has not been reported in the literature in individuals affected with GAMT-related conditions. In summary, the available evidence is currently insufficient to determine the role of this variant in disease. Therefore, it has been classified as a Variant of Uncertain Significance. Algorithms developed to predict the effect of missense changes on protein structure and function are either unavailable or do not agree on the potential impact of this missense change (SIFT: "Tolerated"; PolyPhen-2: "Probably Damaging"; Align-GVGD: "Class C0"). This variant is present in population databases (no rsID available, gnomAD 0.007%). This sequence change replaces proline, which is neutral and non-polar, with leucine, which is neutral and non-polar, at codon 231 of the GAMT protein (p.Pro231Leu).

NM_000156.6(GAMT):c.692C>T (p.Pro231Leu)

Gene: GAMT (guanidinoacetate N-methyltransferase; minus strand). Cytogenetic location: 19p13.3.
Variant type: single nucleotide variant.
Coding change: c.692C>T on transcript NM_000156.6 (MANE Select); coding-DNA position 692, C replaced by T.
Protein change: p.Pro231Leu; replaces proline 231 with leucine.
Molecular consequence: missense variant.
Genome position (GRCh38, 1-based): chr19:1,397,378, G>A on the plus strand (C>T on the coding strand, the complement: GAMT is on the minus strand). VCF-style: chr19-1397378-G-A. GRCh37 (hg19) VCF-style: chr19-1397377-G-A.
Other names: short protein forms P231L.
Identifiers: ClinVar variation 2071598 (VCV002071598.4), dbSNP rs1459532381, ClinGen allele CA402990271.